The following is an entry in ClinVar:

ClinVar aggregate classification (germline): Uncertain significance (1 of 4 stars; one submission).

Conditions:
Baller-Gerold syndrome (BGS). Also called: CRANIOSYNOSTOSIS WITH RADIAL DEFECTS. Identifiers: Orphanet 1225, MedGen C0265308, MONDO:0009039, OMIM 218600.

Submission:

Labcorp Genetics (formerly Invitae), Labcorp
Classification: Uncertain significance for Baller-Gerold syndrome. Last evaluated: 2023-02-04. Review status: criteria provided, single submitter. Criteria: Invitae Variant Classification Sherloc (09022015). Collection method: clinical testing. Allele origin: germline.
Comment: In summary, the available evidence is currently insufficient to determine the role of this variant in disease. Therefore, it has been classified as a Variant of Uncertain Significance. Variants that disrupt the consensus splice site are a relatively common cause of aberrant splicing (PMID: 17576681, 9536098). Algorithms developed to predict the effect of sequence changes on RNA splicing suggest that this variant is not likely to affect RNA splicing. This variant has not been reported in the literature in individuals affected with RECQL4-related conditions. This variant is not present in population databases (gnomAD no frequency). This sequence change falls in intron 8 of the RECQL4 gene. It does not directly change the encoded amino acid sequence of the RECQL4 protein. It affects a nucleotide within the consensus splice site.

Literature cited by the submitters: PubMed 17576681; PubMed 9536098.

NM_004260.4(RECQL4):c.1483+6C>G

Gene: RECQL4 (RecQ like helicase 4; minus strand). Cytogenetic location: 8q24.3.
Variant type: single nucleotide variant.
Coding change: c.1483+6C>G on transcript NM_004260.4 (MANE Select); 6 bases into the intron after coding-DNA position 1483, C replaced by G.
Molecular consequence: intron variant.
Genome position (GRCh38, 1-based): chr8:144,515,144, G>C on the plus strand (C>G on the coding strand, the complement: RECQL4 is on the minus strand). VCF-style: chr8-144515144-G-C. GRCh37 (hg19) VCF-style: chr8-145740528-G-C.
Other names: c.412+6C>G (NM_001413028.1, NM_001413034.1, NM_001413040.1 and 8 more transcripts); c.16+6C>G (NM_001413043.1); c.346+6C>G (NM_001413031.1, NM_001413032.1, NM_001413027.1 and 2 more transcripts); c.1354+6C>G (NM_001413025.1); c.1132+6C>G (NM_001413029.1); c.1483+6C>G (NM_001413036.1, NM_001413019.1, NM_001413039.1 and 2 more transcripts); c.1387+6C>G (NM_001413017.1, NM_001413020.1).
Identifiers: ClinVar variation 2834505 (VCV002834505.3), dbSNP rs376137809, ClinGen allele CA2718420226.
Genomic context (GRCh38, chr8:144,515,144, plus strand): 5'-GGGAGTCAGCAGCAGGGTTCTGCAGCCTGGCCTCAGCCCAGCCTCAGCCCTGGCAGCCAC[G>C]CTCACCAGACAGGATCCGCATGACTGCACGCTCCTGCCCAGGGCGAAAGGCTTGGTGCCC-3'